The following is an entry in ClinVar:

ClinVar aggregate classification (germline): Pathogenic (1 of 4 stars; one submission).

Conditions:
Mucopolysaccharidosis, MPS-II (MPS2). Also called: Hunter Syndrome; IDURONATE 2-SULFATASE DEFICIENCY; Mucopolysaccharidosis Type II; Mucopolysaccharidosis type 2; Attenuated MPS (subtype; formerly known as mild MPS II); Severe MPS II. Identifiers: Orphanet 580, Orphanet 79388, MedGen C0026705, MONDO:0010674, OMIM 309900.

Submission:

Laboratory of Diagnosis and Therapy of Lysosomal Disorders, University of Padova
Classification: Pathogenic for Mucopolysaccharidosis, MPS-II. Last evaluated: 2024-06-07. Review status: criteria provided, single submitter. Criteria: ACMG Guidelines, 2015. Collection method: literature only. Allele origin: germline. Affected: yes. Observed: 7 variant alleles.
Comment: In vitro or in vivo functional studies supportive of a damaging effect (PS3_Strong), Absent from controls (or at low frequency) in gnomAD database (PM2_Moderate), Cosegregation with disease in multiple affected family members (PP1_Moderate), Missense variant in a gene with a low rate of benign missense variation (PP2_Supporting), Multiple lines of computational evidence support a deleterious effect (PP3_Supporting), Patient’s phenotype or family history highly specific for the disease (PP4_Moderate)

Classification method: ACMG Guidelines [PMID:25741868] with modifications

Literature cited by the submitters: PubMed 33960103; PubMed 16480701; PubMed 16770800; PubMed 36945845.

NM_000202.8(IDS):c.1466G>A (p.Gly489Asp)

Gene: IDS (iduronate 2-sulfatase; minus strand). Cytogenetic location: Xq28.
Variant type: single nucleotide variant.
Coding change: c.1466G>A on transcript NM_000202.8 (MANE Select); coding-DNA position 1466, G replaced by A.
Protein change: p.Gly489Asp; replaces glycine 489 with aspartic acid.
Molecular consequence: missense variant.
Genome position (GRCh38, 1-based): chrX:149,482,933, C>T on the plus strand (G>A on the coding strand, the complement: IDS is on the minus strand). VCF-style: chrX-149482933-C-T. GRCh37 (hg19) VCF-style: chrX-148564464-C-T.
Other names: c.1196G>A, p.Gly399Asp (NM_001166550.4); short protein forms G399D, G489D.
Identifiers: ClinVar variation 3256069 (VCV003256069.2).
Genomic context (GRCh38, chrX:149,482,933, plus strand): 5'-TCATCAGGATTGAAGCCAACCCACACAGTATACCTATAGTCTATGGTGCGTATGGAATAG[C>T]CCATGATCTTTATATCTTTTAAACTCGGCTTGTCAGAATTCCACTGAGGGATGTCTGAAG-3'
Protein context (NP_000193.1, residues 479-499): KPSLKDIKIM[Gly489Asp]YSIRTIDYRY